The following is an entry in ClinVar:

ClinVar aggregate classification (germline): Likely pathogenic. Review status: criteria provided, multiple submitters, no conflicts (2 of 4 stars). 2 submissions from 2 submitters: Likely pathogenic (2). Last evaluated 2024-09-12.

Submissions (2):

ARUP Laboratories, Molecular Genetics and Genomics, ARUP Laboratories
Classification: Likely pathogenic. Last evaluated: 2024-09-12. Review status: criteria provided, single submitter. Criteria: ARUP Molecular Germline Variant Investigation Process 2024. Collection method: clinical testing. Allele origin: germline.
Comment: The NOTCH3 c.3045C>G; p.Cys1015Trp variant (rs745417116) is reported in the literature in an individual affected with CADASIL (Muakai 2020). This variant is absent from the Genome Aggregation Database (v2.1.1), indicating it is not a common polymorphism. Computational analyses predict that this variant is deleterious (REVEL: 0.777). Most pathogenic NOTCH3 variants occur in exons 2-24 and either create or destroy a cysteine residue within an EGF-like domain (Rutten 2014), and thus the p.Cys1015Trp variant is consistent with the predominant mechanism of disease in NOTCH3. Additionally, other amino acid substitutions at this codon (p.Cys1015Arg, p.Cys1015Ser) have been reported in individuals with CADASIL and are considered pathogenic (Mukai 2020, Zhu 2015). Based on available information, the p.Cys1015Trp variant is considered to be likely pathogenic. References: Mukai M et al. Genotype-phenotype correlations and effect of mutation location in Japanese CADASIL patients. J Hum Genet. 2020 Aug;65(8):637-646. PMID: 32277177. Rutten JW et al. Interpretation of NOTCH3 mutations in the diagnosis of CADASIL. Expert Rev Mol Diagn. 2014 Jun;14(5):593-603. PMID: 24844136. Zhu Y et al. Two novel mutations in NOTCH3 gene causes cerebral autosomal dominant arteriopathy with subcritical infarct and leucoencephalopathy in two Chinese families. Int J Clin Exp Pathol. 2015 Feb 1;8(2):1321-7. PMID: 25973016

Mayo Clinic Laboratories, Mayo Clinic
Classification: Likely pathogenic. Last evaluated: 2023-07-26. Review status: criteria provided, single submitter. Criteria: ACMG Guidelines, 2015. Collection method: clinical testing. Allele origin: germline. Observed: 1 variant allele.
Comment: PP2, PP3, PM1, PM2, PM5, PS1_supporting

Literature cited by the submitters: PubMed 10371548 (cited by Mayo Clinic Laboratories, Mayo Clinic); PubMed 25973016 (cited by Mayo Clinic Laboratories, Mayo Clinic); PubMed 30956055 (cited by Mayo Clinic Laboratories, Mayo Clinic); PubMed 32277177 (cited by Mayo Clinic Laboratories, Mayo Clinic); PubMed 32765252 (cited by Mayo Clinic Laboratories, Mayo Clinic); PubMed 33161844 (cited by Mayo Clinic Laboratories, Mayo Clinic).

NM_000435.3(NOTCH3):c.3045C>G (p.Cys1015Trp)

Gene: NOTCH3 (notch receptor 3; minus strand). Cytogenetic location: 19p13.12.
Variant type: single nucleotide variant.
Coding change: c.3045C>G on transcript NM_000435.3 (MANE Select); coding-DNA position 3045, C replaced by G.
Protein change: p.Cys1015Trp; replaces cysteine 1015 with tryptophan.
Molecular consequence: missense variant.
Genome position (GRCh38, 1-based): chr19:15,180,778, G>C on the plus strand (C>G on the coding strand, the complement: NOTCH3 is on the minus strand). VCF-style: chr19-15180778-G-C. GRCh37 (hg19) VCF-style: chr19-15291589-G-C.
Other names: p.Cys1015Trp; short protein forms C1015W.
Identifiers: ClinVar variation 3380912 (VCV003380912.2).
Genomic context (GRCh38, chr19:15,180,778, plus strand): 5'-GATGTCACAGAGGCGTCCGCTCCATCCAGGGGGACAAAGGCAATAGGCCCCAGTCTGGAC[G>C]CAGCGACCCCCGTTTTGACAAGGCTGGCGGCTGCACCAATCCACCAGCGTCTGGAGGGGA-3'
Protein context (NP_000426.2, residues 1005-1025): SRQPCQNGGR[Cys1015Trp]VQTGAYCLCP